The following is an entry in ClinVar:

ClinVar aggregate classification (germline): Uncertain significance (1 of 4 stars; one submission).

gnomAD v4.1: 3 of 1,614,014 alleles (0.00019%); highest among the groups gnomAD compares: African/African-American, 0.004%; no homozygotes.

Submission:

Ambry Genetics
Classification: Uncertain significance. Last evaluated: 2025-03-22. Review status: criteria provided, single submitter. Criteria: Ambry Variant Classification Scheme 2023. Collection method: clinical testing. Allele origin: germline.
Comment: The p.H573Q variant (also known as c.1719C>A), located in coding exon 1 of the TET2 gene, results from a C to A substitution at nucleotide position 1719. The histidine at codon 573 is replaced by glutamine, an amino acid with highly similar properties. This amino acid position is conserved. In addition, this alteration is predicted to be tolerated by in silico analysis. Based on the available evidence, the clinical significance of this variant remains unclear.

NM_001127208.3(TET2):c.1719C>A (p.His573Gln)

Genes: TET2 (tet methylcytosine dioxygenase 2; plus strand), TET2-AS1 (TET2 antisense RNA 1; minus strand). Cytogenetic location: 4q24.
Variant type: single nucleotide variant.
Coding change: c.1719C>A on transcript NM_001127208.3 (MANE Select); coding-DNA position 1719, C replaced by A.
Protein change: p.His573Gln; replaces histidine 573 with glutamine.
Molecular consequence: missense variant.
Genome position (GRCh38, 1-based): chr4:105,235,661, C>A. VCF-style: chr4-105235661-C-A. GRCh37 (hg19) VCF-style: chr4-106156818-C-A.
Other names: c.1719C>A, p.His573Gln (NM_017628.4); short protein forms H573Q.
Identifiers: ClinVar variation 3967478 (VCV003967478.1).